The following is an entry in ClinVar:

NM_024422.6(DSC2):c.2462A>C (p.Tyr821Ser)

Gene: DSC2 (desmocollin 2; minus strand). Cytogenetic location: 18q12.1.
Variant type: single nucleotide variant.
Coding change: c.2462A>C on transcript NM_024422.6 (MANE Select); coding-DNA position 2462, A replaced by C.
Protein change: p.Tyr821Ser; replaces tyrosine 821 with serine.
Molecular consequence: missense variant.
Genome position (GRCh38, 1-based): chr18:31,068,940, T>G on the plus strand (A>C on the coding strand, the complement: DSC2 is on the minus strand). VCF-style: chr18-31068940-T-G. GRCh37 (hg19) VCF-style: chr18-28648906-T-G.
Other names: c.2033A>C, p.Tyr678Ser (NM_001406506.1, NM_001406507.1); c.2462A>C, p.Tyr821Ser (NM_004949.5); short protein forms Y678S, Y821S.
Identifiers: ClinVar variation 4756990 (VCV004756990.1).

ClinVar aggregate classification (germline): Uncertain significance (1 of 4 stars; one submission).

Conditions:
Cardiomyopathy (CMYO). Also called: Cardiomyopathies. Identifiers: Orphanet 167848, MedGen C0878544, MONDO:0004994, HP:0001638. Inheritance: Various modes of inheritance.

Submission:

Color Diagnostics, LLC DBA Color Health
Classification: Uncertain significance for Cardiomyopathy. Last evaluated: 2025-06-29. Review status: criteria provided, single submitter. Criteria: ACMG Guidelines, 2015. Collection method: clinical testing. Allele origin: germline.
Comment: This missense variant replaces tyrosine with serine at codon 821 of the DSC2 protein. Computational prediction is inconclusive regarding the impact of this variant on protein structure and function. To our knowledge, functional studies have not been reported for this variant. This variant has not been reported in individuals affected with DSC2-related disorders in the literature. This variant has not been identified in the general population by the Genome Aggregation Database (gnomAD). The available evidence is insufficient to determine the role of this variant in disease conclusively. Therefore, this variant is classified as a Variant of Uncertain Significance.